The following is an entry in ClinVar:

ClinVar aggregate classification (germline): Uncertain significance. Review status: criteria provided, multiple submitters, no conflicts (2 of 4 stars). 2 submissions from 2 submitters: Uncertain significance (2). Last evaluated 2024-09-25.

Conditions:
Inborn genetic diseases. Identifiers: MedGen C0950123, MeSH D030342.

gnomAD v4.1: 13 of 1,613,962 alleles (0.00081%); highest among the groups gnomAD compares: Middle Eastern, 0.033%; no homozygotes.

Submissions (2):

Women's Health and Genetics/Laboratory Corporation of America, LabCorp
Classification: Uncertain significance. Last evaluated: 2024-09-25. Review status: criteria provided, single submitter. Criteria: LabCorp Variant Classification Summary - May 2015. Collection method: clinical testing. Allele origin: germline.
Comment: Variant summary: TG c.4748C>T (p.Ala1583Val) results in a non-conservative amino acid change in the encoded protein sequence. Three of five in-silico tools predict a benign effect of the variant on protein function. The variant allele was found at a frequency of 4e-06 in 251418 control chromosomes. The available data on variant occurrences in the general population are insufficient to allow any conclusion about variant significance. To our knowledge, no occurrence of c.4748C>T in individuals affected with TG-Related Disorders and no experimental evidence demonstrating its impact on protein function have been reported. ClinVar contains an entry for this variant (Variation ID: 3325667). Based on the evidence outlined above, the variant was classified as uncertain significance.

Ambry Genetics
Classification: Uncertain significance for Inborn genetic diseases. Last evaluated: 2024-03-21. Review status: criteria provided, single submitter. Criteria: Ambry Variant Classification Scheme 2023. Collection method: clinical testing. Allele origin: germline.

NM_003235.5(TG):c.4748C>T (p.Ala1583Val)

Gene: TG (thyroglobulin; plus strand). Cytogenetic location: 8q24.22.
Variant type: single nucleotide variant.
Coding change: c.4748C>T on transcript NM_003235.5 (MANE Select); coding-DNA position 4748, C replaced by T.
Protein change: p.Ala1583Val; replaces alanine 1583 with valine.
Molecular consequence: missense variant.
Genome position (GRCh38, 1-based): chr8:132,929,124, C>T. VCF-style: chr8-132929124-C-T. GRCh37 (hg19) VCF-style: chr8-133941369-C-T.
Other names: short protein forms A1583V.
Identifiers: ClinVar variation 3325667 (VCV003325667.2).
Genomic context (GRCh38, chr8:132,929,124, plus strand): 5'-CTTTATTTTTAGTGATGCAGAAGTTTGAGAAGGTTCCAGAATCAAAGGTGATCTTCGACG[C>T]CAATGCTCCTGTGGCTGTCAGATCCAAAGTTCCTGATTCTGAGTTCCCCGTGATGCAGTG-3'
Protein context (NP_003226.4, residues 1573-1593): KVPESKVIFD[Ala1583Val]NAPVAVRSKV